The following is an entry in ClinVar:

ClinVar aggregate classification (germline): Benign. Review status: reviewed by expert panel (3 of 4 stars). 3 submissions from 3 submitters: Benign (1). 2 of the submissions do not count toward it. Last evaluated 2017-05-09.

Conditions:
RASopathy. Also called: rasopathies; Noonan spectrum disorder. Identifiers: Orphanet 536391, MedGen C5555857, MONDO:0021060.

Allele frequency attached by ClinVar (database versions not stated): gnomAD below 0.00001 and 0.00003; TOPMed below 0.00001; gnomAD exomes 0.00007 and 0.00016; 1000 Genomes Project 30x 0.00016; ExAC 0.00016; 1000 Genomes Project 0.00020.
gnomAD v4.1: 111 of 1,613,966 alleles (0.0069%); highest among the groups gnomAD compares: South Asian, 0.11%; no homozygotes.

Submissions (3):

ClinGen RASopathy Variant Curation Expert Panel
Classification: Benign for Noonan syndrome and Noonan-related syndrome. Last evaluated: 2017-05-09. Review status: reviewed by expert panel. Criteria: ClinGen RASopathy ACMG Specifications v1. Collection method: curation. Allele origin: germline. Inheritance: Autosomal dominant inheritance.
Comment: The filtering allele frequency of the c.438+8A>T variant in the MAP2K1 gene is 0.075% (19/16512) of South Asian chromosomes by the Exome Aggregation Consortium, which is a high enough frequency to be classified as benign based on thresholds defined by the ClinGen RASopathy Expert Panel (BA1; PMID:29493581)

Labcorp Genetics (formerly Invitae), Labcorp
Classification: Benign for RASopathy. Last evaluated: 2025-10-28. Review status: criteria provided, single submitter. Criteria: Invitae Variant Classification Sherloc (09022015). Collection method: clinical testing. Allele origin: germline. Not counted in ClinVar's aggregate classification.

GeneDx
Classification: Likely benign. Last evaluated: 2016-10-07. Review status: criteria provided, single submitter. Criteria: GeneDx Variant Classification (06012015). Collection method: clinical testing. Allele origin: germline. Affected: yes. Not counted in ClinVar's aggregate classification.
Comment: This variant is considered likely benign or benign based on one or more of the following criteria: it is a conservative change, it occurs at a poorly conserved position in the protein, it is predicted to be benign by multiple in silico algorithms, and/or has population frequency not consistent with disease.

NM_002755.4(MAP2K1):c.438+8A>T

Gene: MAP2K1 (mitogen-activated protein kinase kinase 1; plus strand). Cytogenetic location: 15q22.31.
Variant type: single nucleotide variant.
Coding change: c.438+8A>T on transcript NM_002755.4 (MANE Select); 8 bases into the intron after coding-DNA position 438, A replaced by T.
Molecular consequence: intron variant.
Genome position (GRCh38, 1-based): chr15:66,436,900, A>T. VCF-style: chr15-66436900-A-T. GRCh37 (hg19) VCF-style: chr15-66729238-A-T.
Identifiers: ClinVar variation 389759 (VCV000389759.10), dbSNP rs550240942, ClinGen allele CA7623922.
Genomic context (GRCh38, chr15:66,436,900, plus strand): 5'-TCTATGGTGCGTTCTACAGCGATGGCGAGATCAGTATCTGCATGGAGCACATGGTATGTG[A>T]CACCCTCTCAGCCTCTGGAGCAATGGCCTTAAGAGTTGGGTGGCTCTGGCCTAATCTTTG-3'